The following is an entry in ClinVar:

NM_000059.4(BRCA2):c.8488-1G>A

Gene: BRCA2 (BRCA2 DNA repair associated; plus strand). Cytogenetic location: 13q13.1.
Variant type: single nucleotide variant.
Coding change: c.8488-1G>A on transcript NM_000059.4 (MANE Select); the canonical splice acceptor site of the intron before coding-DNA position 8488, G replaced by A.
Molecular consequence: splice acceptor variant.
Genome position (GRCh38, 1-based): chr13:32,370,955, G>A. VCF-style: chr13-32370955-G-A. GRCh37 (hg19) VCF-style: chr13-32945092-G-A.
Other names: IVS19-1G>A; IVS19AS, G-A, -1; c.8488-1G>A (NM_001406720.1); c.8392-1G>A (NM_001406719.1); c.3556-1G>A (NM_001406721.1); c.2071-1G>A (NM_001406722.1).
Identifiers: ClinVar variation 38164 (VCV000038164.93), dbSNP rs397507404, ClinGen allele CA025677.

ClinVar aggregate classification (germline): Pathogenic. Review status: reviewed by expert panel (3 of 4 stars). 33 submissions from 32 submitters: Pathogenic (1). 32 of the submissions do not count toward it. Last evaluated 2019-06-18.

Conditions:
Inherited breast cancer and ovarian cancer.
BRCA2-related cancer predisposition. Identifiers: MedGen CN377758, MONDO:0700269.
Pancreatic cancer, susceptibility to, 2. Identifiers: Orphanet 1333, MedGen C3150546, MONDO:0013235, OMIM 613347.
Glioma susceptibility 3 (GLM3). Also called: Glioblastoma 3. Identifiers: Orphanet 182067, Orphanet 360, MedGen C2751641, MONDO:0013093, OMIM 613029.
Familial prostate cancer. Also called: Hereditary Prostate Cancer. Identifiers: MedGen C2931456, MONDO:0700275, OMIM 176807.
Breast-ovarian cancer, familial, susceptibility to, 2 (BROVCA2). Also called: BRCA2 Hereditary Breast and Ovarian Cancer. Identifiers: Orphanet 145, MedGen C2675520, MONDO:0012933, OMIM 612555. Disease mechanism: loss of function.
Fanconi anemia complementation group D1. Also called: BRCA2-Related Fanconi Anemia. Identifiers: Orphanet 319462, MedGen C1838457, MONDO:0011584, OMIM 605724.
Medulloblastoma (MDB). Also called: Medulloblastoma, somatic; MEDULLOBLASTOMA PREDISPOSITION SYNDROME. Identifiers: Orphanet 616, MedGen C0025149, MeSH D008527, MONDO:0007959, OMIM 155255, HP:0002885.
Wilms tumor 1 (WT1). Also called: Wilms tumor, somatic. Identifiers: Orphanet 654, MedGen CN033288, MONDO:0008679, OMIM 194070.
Familial cancer of breast. Also called: BREAST CANCER, FAMILIAL; hereditary breast carcinoma; Hereditary breast cancer. Identifiers: Orphanet 227535, MedGen C0346153, MONDO:0016419, OMIM 114480. Disease mechanism: loss of function.
BRCA2-related disorder. Also called: BRCA2-related condition; BRCA2-related disorders. Identifiers: MedGen CN239275.
Prostate cancer. Also called: Malignant tumor of prostate. Identifiers: Orphanet 1331, MedGen C0376358, MONDO:0008315, HP:0012125.
Hereditary cancer-predisposing syndrome. Also called: Neoplastic Syndromes, Hereditary; Tumor predisposition; Hereditary Cancer Syndrome; Hereditary neoplastic syndrome. Identifiers: Orphanet 140162, MedGen C0027672, MeSH D009386, MONDO:0015356.
Gastric cancer. Also called: Malignant tumor of stomach; Stomach cancer. Identifiers: MedGen C0024623, MeSH D013274, MONDO:0001056, OMIM 613659, HP:0012126.
Hereditary breast ovarian cancer syndrome. Also called: Breast and ovarian cancer; Hereditary breast and ovarian cancer; Hereditary breast and ovarian cancer syndrome (HBOC); Hereditary breast and ovarian cancer syndrome; BRCA1- and BRCA2-Associated Hereditary Breast and Ovarian Cancer; Hereditary breast and/or ovarian cancer syndrome. Identifiers: Orphanet 145, MedGen C0677776, MeSH D061325, MONDO:0003582. Disease mechanism: loss of function.

Allele frequency attached by ClinVar (database versions not stated): gnomAD exomes below 0.00001; TOPMed 0.00001.
gnomAD v4.1: 4 of 1,614,046 alleles (0.00025%); highest among the groups gnomAD compares: Admixed American, 0.0033%; no homozygotes.

Submissions 1 to 7 of 33:

Evidence-based Network for the Interpretation of Germline Mutant Alleles (ENIGMA)
Classification: Pathogenic for Breast-ovarian cancer, familial, susceptibility to, 2. Last evaluated: 2019-06-18. Review status: reviewed by expert panel. Criteria: ENIGMA BRCA1/2 Classification Criteria (2017-06-29). Collection method: curation. Allele origin: germline.
Comment: IARC class based on posterior probability from multifactorial likelihood analysis, thresholds for class as per Plon et al. 2008 (PMID: 18951446). Class 5 based on posterior probability = 0.992712

GeneDx
Classification: Likely pathogenic. Last evaluated: 2026-08-06. Review status: criteria provided, single submitter. Criteria: GeneDx Variant Classification Process June 2021. Collection method: clinical testing. Allele origin: germline. Not counted in ClinVar's aggregate classification.
Comment: Observed in multiple individuals with personal and/or family histories consistent with Hereditary Breast and Ovarian Cancer (PMID: 22632462, 22798144, 24607278, 24916970, 27741520, 27383479, 29673794, 30606148, 30350268); Reported in the homozygous state in an individual with Fanconi anemia that was described as mild, whose lympohoblasts exhibited modest MMC sensitivity; as well as a second individual with non-obstructive azoospermia (PMID: 12065746, 35535697); Published functional studies are inconclusive: marginal sensitivity to PARP inhibitor and other DNA damaging agents and wild type levels of RAD51 foci formation (PMID: 25583207); Not observed at significant frequency in large population cohorts (gnomAD); In silico analysis supports a deleterious effect on splicing; Also known as 8716-1G>A; This variant is associated with the following publications: (PMID: 24916970, 24301060, 28726806, 29446198, 26247049, 29907814, 27383479, 26834852, 25382762, 24259538, 28332257, 16115142, 25447315, 27741520, 15645491, 22798144, 19464302, 29673794, 25525159, 22632462, 24607278, 29625052, 26580448, 30606148, 30350268, 30078507, 28111427, 29790872, 31131967, 33008098, 31447099, 33397043, 31589614, 28888541, 32986223, 34235180, 34413315, 35535697, 32719484, 34645131, 35264596, 37728764, 33461583, 36572685, 39096151, 40389634, 36988593, 36451132, 34326862, 33309985, 33087929, 35534704, 12065746, 36881271, 36721989, 37118955, 38671360, 25583207, 38642551, 41172994, 42510807)

OLLIN Analises Genomicas, OLLIN
Classification: Pathogenic for Breast-ovarian cancer, familial, susceptibility to, 2. Last evaluated: 2026-08-06. Review status: criteria provided, single submitter. Criteria: ACMG Guidelines 2015 PMID 25741868. Collection method: clinical testing. Allele origin: germline. Inheritance: Autosomal recessive inheritance. Not counted in ClinVar's aggregate classification.
Comment: This variant, located at the canonical splicing site (splice acceptor), has been reported in ClinVar (accession VCV000038164.89) and in gnomAD with an allele frequency of 0.00025%. However, to our knowledge, it has not been reported in the scientific literature. This variant is predicted to disrupt a canonical splice site, potentially leading to exon skipping, mRNA degradation via nonsense-mediated decay (NMD), or production of a truncated protein. Another pathogenic variant affecting the same amino acid residue has been reported. According to the currently available evidence, this variant has been classified as pathogenic (PVS1, PS4_M, PM2_P, PM5_S).

Labcorp Genetics (formerly Invitae), Labcorp
Classification: Pathogenic for Hereditary breast ovarian cancer syndrome. Last evaluated: 2025-12-26. Review status: criteria provided, single submitter. Criteria: Invitae Variant Classification Sherloc (09022015). Collection method: clinical testing. Allele origin: germline. Not counted in ClinVar's aggregate classification.
Comment: This sequence change affects an acceptor splice site in intron 19 of the BRCA2 gene. It is expected to disrupt RNA splicing. Variants that disrupt the donor or acceptor splice site typically lead to a loss of protein function (PMID: 16199547), and loss-of-function variants in BRCA2 are known to be pathogenic (PMID: 20104584). This variant is not present in population databases (gnomAD no frequency). Disruption of this splice site has been observed in individual(s) with breast cancer, autosomal recessive Fanconi anemia (PMID: 22632462, 24301060, 24607278, 27741520, 31331294). This variant is also known as Ex19-1G>A, IVS19-1G>A. ClinVar contains an entry for this variant (Variation ID: 38164). Based on a multifactorial likelihood algorithm using genetic, in silico, and/or statistical data, this variant has been determined to have a high probability of being pathogenic (PMID: 12065746). Studies have shown that this variant is associated with altered splicing resulting in multiple RNA products ( PMID: 22632462, 24607278, 25382762; internal data). For these reasons, this variant has been classified as Pathogenic.

Genetics Laboratory, Great Ormond Street Hospital NHS Foundation Trust, North Thames Genomic Laboratory Hub
Classification: Uncertain significance for Inherited breast cancer and ovarian cancer. Last evaluated: 2025-10-07. Review status: criteria provided, single submitter. Criteria: CanVIG BRCA Gene Specific V1.22. Collection method: clinical testing. Allele origin: germline. Affected: yes. Not counted in ClinVar's aggregate classification.
Comment: PS4_supporting, PM2_supporting, PVS1_supporting, PM3_supporting, PP4_supporting

PreventionGenetics, part of Exact Sciences
Classification: Pathogenic for BRCA2-related condition. Last evaluated: 2025-07-28. Review status: criteria provided, single submitter. Criteria: ACMG Guidelines, 2015. Collection method: clinical testing. Allele origin: germline. Not counted in ClinVar's aggregate classification.
Comment: The BRCA2 c.8488-1G>A variant is predicted to disrupt the AG splice acceptor site and interfere with normal splicing. This variant has been reported in the homozygous state in an individual with Fanconi anemia (Howlett et al. 2002. PubMed ID: 12065746, referred to as IVS19-1G>A). It has also been reported individuals with a history of breast and/or ovarian cancer (Santos et al. 2014. PubMed ID: 24607278; Table 1, Fernandes et al. 2016. PubMed ID: 27741520; Table 1, Peixoto et al. 2015. PubMed ID: 24916970; Cotrim et al. 2019. PubMed ID: 30606148). Functional analyses concluded this splicing variant results in three different isoforms of the BRCA2 protein: one isoform retained intron 20, another resulted in a 12 nucleotide deletion from exon 20, and another skipped exon 20 entirely (Acedo et al. 2012. PubMed ID: 22632462; Santos et al. 2014. PubMed ID: 24607278). This variant has not been reported in a large population database, indicating this variant is rare. This variant is interpreted as pathogenic in ClinVar (Variation ID: 38164). Variants that disrupt the consensus splice acceptor site in BRCA2 are expected to be pathogenic. This variant is interpreted as pathogenic.

Revvity Omics, Revvity
Classification: Pathogenic. Last evaluated: 2025-02-12. Review status: criteria provided, single submitter. Criteria: ACMG Guidelines, 2015. Collection method: clinical testing. Allele origin: germline. Not counted in ClinVar's aggregate classification.